The following is an entry in ClinVar:

NM_000116.5(TAFAZZIN):c.115A>G (p.Met39Val)

Genes: DNASE1L1 (deoxyribonuclease 1 like 1; minus strand), TAFAZZIN (tafazzin, phospholipid-lysophospholipid transacylase; plus strand). Cytogenetic location: Xq28.
Variant type: single nucleotide variant.
Coding change: c.115A>G on transcript NM_000116.5 (MANE Select); coding-DNA position 115, A replaced by G.
Protein change: p.Met39Val; replaces methionine 39 with valine.
Molecular consequence: missense variant. On other transcripts: non-coding transcript variant (1), 5 prime UTR variant (3).
Genome position (GRCh38, 1-based): chrX:154,412,091, A>G. VCF-style: chrX-154412091-A-G. GRCh37 (hg19) VCF-style: chrX-153640428-A-G.
Other names: c.169A>G, p.Met57Val (NM_001440857.1, NM_001303465.2, NM_001410698.1 and 1 more transcripts); c.115A>G, p.Met39Val (NM_001440858.1, NM_181311.4, NM_181312.4 and 1 more transcripts); c.-631T>C (NM_001009932.3); c.-373T>C (NM_001009933.3); c.-288T>C (NM_001009934.3); short protein forms M39V, M57V.
Identifiers: ClinVar variation 4759586 (VCV004759586.2).

ClinVar aggregate classification (germline): Uncertain significance. Review status: criteria provided, multiple submitters, no conflicts (2 of 4 stars). 2 submissions from 2 submitters: Uncertain significance (2). Last evaluated 2026-04-09.

Conditions:
3-Methylglutaconic aciduria type 2 (BTHS). Also called: CARDIOSKELETAL MYOPATHY WITH NEUTROPENIA AND ABNORMAL MITOCHONDRIA; Barth syndrome. Identifiers: Orphanet 111, MedGen C0574083, MONDO:0010543, OMIM 302060.
Cardiovascular phenotype. Identifiers: MedGen CN230736.

gnomAD v4.1: 1 of 1,210,435 alleles (0.000083%); highest among the groups gnomAD compares: Non-Finnish European, 0.00011%; no homozygotes.

Submissions (2):

Ambry Genetics
Classification: Uncertain significance for Cardiovascular phenotype. Last evaluated: 2026-04-09. Review status: criteria provided, single submitter. Criteria: Ambry Variant Classification Scheme 2023. Collection method: clinical testing. Allele origin: germline.
Comment: The p.M39V variant (also known as c.115A>G), located in coding exon 2 of the TAZ gene, results from an A to G substitution at nucleotide position 115. The methionine at codon 39 is replaced by valine, an amino acid with highly similar properties. This amino acid position is conserved. In addition, the in silico prediction for this alteration is inconclusive. Based on the available evidence, the clinical significance of this variant remains unclear.

Labcorp Genetics (formerly Invitae), Labcorp
Classification: Uncertain significance for 3-Methylglutaconic aciduria type 2. Last evaluated: 2025-10-17. Review status: criteria provided, single submitter. Criteria: Invitae Variant Classification Sherloc (09022015). Collection method: clinical testing. Allele origin: germline.
Comment: This sequence change replaces methionine, which is neutral and non-polar, with valine, which is neutral and non-polar, at codon 39 of the TAZ protein (p.Met39Val). This variant is not present in population databases (gnomAD no frequency). This variant has not been reported in the literature in individuals affected with TAZ-related conditions. An algorithm developed to predict the effect of missense changes on protein structure and function (PolyPhen-2) suggests that this variant is likely to be tolerated. In summary, the available evidence is currently insufficient to determine the role of this variant in disease. Therefore, it has been classified as a Variant of Uncertain Significance.